The following is an entry in ClinVar:

ClinVar aggregate classification (germline): Likely benign (0 of 4 stars; one submission).

Conditions:
H19-related disorder. Also called: H19-related condition.

Submission:

PreventionGenetics, part of Exact Sciences
Classification: Likely benign for H19-related condition. Last evaluated: 2019-02-22. Review status: no assertion criteria provided. Collection method: clinical testing. Allele origin: germline.
Comment: This variant is classified as likely benign based on ACMG/AMP sequence variant interpretation guidelines (Richards et al. 2015 PMID: 25741868, with internal and published modifications).

NR_002196.3(H19):n.785C>T

Genes: MRPL23 (mitochondrial ribosomal protein L23; plus strand), H19 (H19 imprinted maternally expressed transcript; minus strand). Cytogenetic location: 11p15.5.
Variant type: single nucleotide variant.
Molecular consequence: non-coding transcript variant (on NR_002196.3). On other transcripts: intron variant (1).
Genome position: GRCh38 VCF-style: chr11-1997058-G-A. GRCh37 (hg19) VCF-style: chr11-2018288-G-A.
Other names: c.498-14483G>A (NM_001400176.1).
Identifiers: ClinVar variation 3045794 (VCV003045794.2), dbSNP rs374320338, ClinGen allele CA216218705.